The following is an entry in ClinVar:

NM_006033.4(LIPG):c.1157T>C (p.Ile386Thr)

Gene: LIPG (lipase G, endothelial type; plus strand). Cytogenetic location: 18q21.1.
Variant type: single nucleotide variant.
Coding change: c.1157T>C on transcript NM_006033.4 (MANE Select); coding-DNA position 1157, T replaced by C.
Protein change: p.Ile386Thr; replaces isoleucine 386 with threonine.
Molecular consequence: missense variant.
Genome position (GRCh38, 1-based): chr18:49,582,482, T>C. VCF-style: chr18-49582482-T-C. GRCh37 (hg19) VCF-style: chr18-47108852-T-C.
Other names: c.935T>C, p.Ile312Thr (NM_001308006.2); short protein forms I386T, I312T.
Identifiers: ClinVar variation 2860853 (VCV002860853.3), dbSNP rs2511306431, ClinGen allele CA402422126.

ClinVar aggregate classification (germline): Uncertain significance (1 of 4 stars; one submission).

Submission:

Labcorp Genetics (formerly Invitae), Labcorp
Classification: Uncertain significance. Last evaluated: 2023-04-30. Review status: criteria provided, single submitter. Criteria: Invitae Variant Classification Sherloc (09022015). Collection method: clinical testing. Allele origin: germline.
Comment: In summary, the available evidence is currently insufficient to determine the role of this variant in disease. Therefore, it has been classified as a Variant of Uncertain Significance. An algorithm developed to predict the effect of missense changes on protein structure and function (PolyPhen-2) suggests that this variant is likely to be tolerated. This variant has not been reported in the literature in individuals affected with LIPG-related conditions. This variant is not present in population databases (gnomAD no frequency). This sequence change replaces isoleucine, which is neutral and non-polar, with threonine, which is neutral and polar, at codon 386 of the LIPG protein (p.Ile386Thr).